The following is an entry in ClinVar:

ClinVar aggregate classification (germline): Likely pathogenic (1 of 4 stars; one submission).

Conditions:
PHGDH deficiency. Identifiers: Orphanet 79351, MedGen C1866174, MONDO:0011152, OMIM 601815.

Allele frequency attached by ClinVar (database versions not stated): gnomAD exomes below 0.00001.
gnomAD v4.1: 1 of 1,614,066 alleles (0.000062%); highest among the groups gnomAD compares: Non-Finnish European, 0.000085%; no homozygotes.

Submission:

Labcorp Genetics (formerly Invitae), Labcorp
Classification: Likely pathogenic for PHGDH deficiency. Last evaluated: 2024-01-20. Review status: criteria provided, single submitter. Criteria: Invitae Variant Classification Sherloc (09022015). Collection method: clinical testing. Allele origin: germline.
Comment: This sequence change affects a donor splice site in intron 4 of the PHGDH gene. It is expected to disrupt RNA splicing. Variants that disrupt the donor or acceptor splice site typically lead to a loss of protein function (PMID: 16199547), and loss-of-function variants in PHGDH are known to be pathogenic (PMID: 14645240, 24836451). This variant is present in population databases (no rsID available, gnomAD 0.0009%). This variant has not been reported in the literature in individuals affected with PHGDH-related conditions. ClinVar contains an entry for this variant (Variation ID: 1483410). Algorithms developed to predict the effect of sequence changes on RNA splicing suggest that this variant may disrupt the consensus splice site. In summary, the currently available evidence indicates that the variant is pathogenic, but additional data are needed to prove that conclusively. Therefore, this variant has been classified as Likely Pathogenic.

Literature cited by the submitters: PubMed 16199547; PubMed 14645240; PubMed 24836451.

NM_006623.4(PHGDH):c.411+2T>C

Gene: PHGDH (phosphoglycerate dehydrogenase; plus strand). Cytogenetic location: 1p12.
Variant type: single nucleotide variant.
Coding change: c.411+2T>C on transcript NM_006623.4 (MANE Select); the canonical splice donor site of the intron after coding-DNA position 411, T replaced by C.
Molecular consequence: splice donor variant.
Genome position (GRCh38, 1-based): chr1:119,726,907, T>C. VCF-style: chr1-119726907-T-C. GRCh37 (hg19) VCF-style: chr1-120269530-T-C.
Identifiers: ClinVar variation 1483410 (VCV001483410.6), dbSNP rs1302054606, ClinGen allele CA341847649.